The following is an entry in ClinVar:

ClinVar aggregate classification (germline): Conflicting classifications of pathogenicity. Review status: criteria provided, conflicting classifications (1 of 4 stars). 3 submissions from 3 submitters: Uncertain significance (2); Likely benign (1). Last evaluated 2026-01-29.

Conditions:
Hypertrophic cardiomyopathy 14. Identifiers: MedGen C2750467, MONDO:0013197, OMIM 613251.
Cardiovascular phenotype. Identifiers: MedGen CN230736.
Cardiomyopathy (CMYO). Also called: Cardiomyopathies. Identifiers: Orphanet 167848, MedGen C0878544, MONDO:0004994, HP:0001638. Inheritance: Various modes of inheritance.

Allele frequency attached by ClinVar (database versions not stated): TOPMed 0.00002; gnomAD exomes 0.00003 and 0.00008; ExAC 0.00008.
gnomAD v4.1: 46 of 1,614,182 alleles (0.0028%); highest among the groups gnomAD compares: South Asian, 0.03%; no homozygotes.

Submissions (3):

Labcorp Genetics (formerly Invitae), Labcorp
Classification: Uncertain significance for Hypertrophic cardiomyopathy 14. Last evaluated: 2026-01-29. Review status: criteria provided, single submitter. Criteria: Invitae Variant Classification Sherloc (09022015). Collection method: clinical testing. Allele origin: germline.
Comment: This sequence change replaces aspartic acid, which is acidic and polar, with asparagine, which is neutral and polar, at codon 1060 of the MYH6 protein (p.Asp1060Asn). This variant is present in population databases (rs775560235, gnomAD 0.04%), and has an allele count higher than expected for a pathogenic variant. This missense change has been observed in individual(s) with congenital heart disease (PMID: 35993536). ClinVar contains an entry for this variant (Variation ID: 837827). Invitae Evidence Modeling of protein sequence and biophysical properties (such as structural, functional, and spatial information, amino acid conservation, physicochemical variation, residue mobility, and thermodynamic stability) indicates that this missense variant is not expected to disrupt MYH6 protein function with a negative predictive value of 80%. In summary, the available evidence is currently insufficient to determine the role of this variant in disease. Therefore, it has been classified as a Variant of Uncertain Significance.

Ambry Genetics
Classification: Uncertain significance for Cardiovascular phenotype. Last evaluated: 2025-06-12. Review status: criteria provided, single submitter. Criteria: Ambry Variant Classification Scheme 2023. Collection method: clinical testing. Allele origin: germline.
Comment: The p.D1060N variant (also known as c.3178G>A), located in coding exon 22 of the MYH6 gene, results from a G to A substitution at nucleotide position 3178. The aspartic acid at codon 1060 is replaced by asparagine, an amino acid with highly similar properties. This variant has been reported in a congenital heart disease cohort (Zhang Y et al. Mol Genet Genomic Med, 2022 Oct;10:e2041). This amino acid position is highly conserved in available vertebrate species. In addition, the in silico prediction for this alteration is inconclusive. Based on the available evidence, the clinical significance of this variant remains unclear.

CHEO Genetics Diagnostic Laboratory, Children's Hospital of Eastern Ontario
Classification: Likely benign for Cardiomyopathy. Last evaluated: 2017-11-30. Review status: criteria provided, single submitter. Criteria: ACMG Guidelines, 2015. Collection method: clinical testing. Allele origin: germline.

Literature cited by the submitters: PubMed 35993536 (cited by Labcorp Genetics (formerly Invitae), Labcorp and Ambry Genetics).

NM_002471.4(MYH6):c.3178G>A (p.Asp1060Asn)

Gene: MYH6 (myosin heavy chain 6; minus strand). Cytogenetic location: 14q11.2.
Variant type: single nucleotide variant.
Coding change: c.3178G>A on transcript NM_002471.4 (MANE Select); coding-DNA position 3178, G replaced by A.
Protein change: p.Asp1060Asn; replaces aspartic acid 1060 with asparagine.
Molecular consequence: missense variant.
Genome position (GRCh38, 1-based): chr14:23,392,985, C>T on the plus strand (G>A on the coding strand, the complement: MYH6 is on the minus strand). VCF-style: chr14-23392985-C-T. GRCh37 (hg19) VCF-style: chr14-23862194-C-T.
Other names: short protein forms D1060N.
Identifiers: ClinVar variation 837827 (VCV000837827.12), dbSNP rs775560235, ClinGen allele CA7115283.
Genomic context (GRCh38, chr14:23,392,985, plus strand): 5'-CTTCCAGCTGCAGTTTATCATTTTCCAGGTCCATGATGCTCTCCTGGGTCAGCTTCAGGT[C>T]GCCCTCCAGTTTCCGCTTTGCTCGCTCCAGGTCCATGCGCACCTTCTTCTCTTGCTCTAG-3'
Protein context (NP_002462.2, residues 1050-1070): LERAKRKLEG[Asp1060Asn]LKLTQESIMD